The following is an entry in ClinVar:

NM_024334.3(TMEM43):c.329_330del (p.Leu110fs)

Gene: TMEM43 (transmembrane protein 43; plus strand). Cytogenetic location: 3p25.1.
Variant type: Deletion.
Coding change: c.329_330del on transcript NM_024334.3 (MANE Select); coding-DNA positions 329 to 330, 2 bases deleted (TT; older notation c.329_330delTT).
Protein change: p.Leu110fs; shifts the reading frame from leucine 110.
Molecular consequence: frameshift variant.
Genome position (GRCh38, 1-based): chr3:14,131,611-14,131,612, TT deleted. VCF-style (leftmost placement, unchanged base first): chr3-14131610-CTT-C. GRCh37 (hg19) VCF-style: chr3-14173110-CTT-C.
Other names: short protein forms L110fs.
Identifiers: ClinVar variation 1057741 (VCV001057741.8), dbSNP rs2124987821, ClinGen allele CA2499216520.

ClinVar aggregate classification (germline): Uncertain significance (1 of 4 stars; one submission).

Conditions:
Arrhythmogenic right ventricular dysplasia 5. Also called: Arrhythmogenic Right Ventricular Dysplasia/Cardiomyopathy 5; ARRHYTHMOGENIC RIGHT VENTRICULAR DYSPLASIA, FAMILIAL, 5. Identifiers: MedGen C1858379, MONDO:0011459, OMIM 604400.

Submission:

Labcorp Genetics (formerly Invitae), Labcorp
Classification: Uncertain significance for Arrhythmogenic right ventricular dysplasia 5. Last evaluated: 2022-06-20. Review status: criteria provided, single submitter. Criteria: Invitae Variant Classification Sherloc (09022015). Collection method: clinical testing. Allele origin: germline.
Comment: ClinVar contains an entry for this variant (Variation ID: 1057741). This variant has not been reported in the literature in individuals affected with TMEM43-related conditions. This variant is not present in population databases (gnomAD no frequency). This sequence change creates a premature translational stop signal (p.Leu110Profs*18) in the TMEM43 gene. It is expected to result in an absent or disrupted protein product. However, the current clinical and genetic evidence is not sufficient to establish whether loss-of-function variants in TMEM43 cause disease. In summary, the available evidence is currently insufficient to determine the role of this variant in disease. Therefore, it has been classified as a Variant of Uncertain Significance.